The following is an entry in ClinVar:

NM_181741.4(ORC4):c.1055-15T>C

Gene: ORC4 (origin recognition complex subunit 4; minus strand). Cytogenetic location: 2q23.1.
Variant type: single nucleotide variant.
Coding change: c.1055-15T>C on transcript NM_181741.4 (MANE Select); 15 bases into the intron before coding-DNA position 1055, T replaced by C.
Molecular consequence: intron variant.
Genome position (GRCh38, 1-based): chr2:147,938,228, A>G on the plus strand (T>C on the coding strand, the complement: ORC4 is on the minus strand). VCF-style: chr2-147938228-A-G. GRCh37 (hg19) VCF-style: chr2-148695797-A-G.
Other names: c.1055-15T>C (NM_181742.4, NM_001190879.3, NM_002552.5 and 1 more transcripts); c.803-15T>C (NM_001190881.3, NM_001374272.1); c.833-15T>C (NM_001190882.3).
Identifiers: ClinVar variation 2967613 (VCV002967613.2), dbSNP rs762798777, ClinGen allele CA1899393.

ClinVar aggregate classification (germline): Uncertain significance (1 of 4 stars; one submission).

Allele frequency attached by ClinVar (database versions not stated): ExAC 0.00001; gnomAD 0.00001; gnomAD exomes 0.00001.
gnomAD v4.1: 13 of 1,609,540 alleles (0.00081%); highest among the groups gnomAD compares: African/African-American, 0.0013%; no homozygotes.

Submission:

Labcorp Genetics (formerly Invitae), Labcorp
Classification: Uncertain significance. Last evaluated: 2025-08-18. Review status: criteria provided, single submitter. Criteria: Invitae Variant Classification Sherloc (09022015). Collection method: clinical testing. Allele origin: germline.
Comment: This sequence change falls in intron 12 of the ORC4 gene. It does not directly change the encoded amino acid sequence of the ORC4 protein. This variant is present in population databases (rs762798777, gnomAD 0.004%). This variant has not been reported in the literature in individuals affected with ORC4-related conditions. ClinVar contains an entry for this variant (Variation ID: 2967613). Algorithms developed to predict the effect of sequence changes on RNA splicing suggest that this variant may disrupt the consensus splice site. In summary, the available evidence is currently insufficient to determine the role of this variant in disease. Therefore, it has been classified as a Variant of Uncertain Significance.